The following is an entry in ClinVar:

ClinVar aggregate classification (germline): Uncertain significance (1 of 4 stars; one submission).

Submission:

Ambry Genetics
Classification: Uncertain significance. Last evaluated: 2022-04-11. Review status: criteria provided, single submitter. Criteria: Ambry Variant Classification Scheme 2023. Collection method: clinical testing. Allele origin: germline.
Comment: The p.G1332E variant (also known as c.3995G>A), located in coding exon 36 of the KIF1B gene, results from a G to A substitution at nucleotide position 3995. The glycine at codon 1332 is replaced by glutamic acid, an amino acid with similar properties. This amino acid position is conserved. In addition, the in silico prediction for this alteration is inconclusive. Since supporting evidence is limited at this time, the clinical significance of this alteration remains unclear.

NM_001365951.3(KIF1B):c.4133G>A (p.Gly1378Glu)

Gene: KIF1B (kinesin family member 1B; plus strand). Cytogenetic location: 1p36.22.
Variant type: single nucleotide variant.
Coding change: c.4133G>A on transcript NM_001365951.3 (MANE Select); coding-DNA position 4133, G replaced by A.
Protein change: p.Gly1378Glu; replaces glycine 1378 with glutamic acid.
Molecular consequence: missense variant.
Genome position (GRCh38, 1-based): chr1:10,361,006, G>A. VCF-style: chr1-10361006-G-A. GRCh37 (hg19) VCF-style: chr1-10421064-G-A.
Other names: c.4133G>A, p.Gly1378Glu (NM_001365952.1); c.3995G>A, p.Gly1332Glu (NM_015074.3); short protein forms G1332E, G1378E.
Identifiers: ClinVar variation 1736792 (VCV001736792.2), dbSNP rs2521878466, ClinGen allele CA338316410.